The following is an entry in ClinVar:

NM_001243133.2(NLRP3):c.1711T>G (p.Leu571Val)

Gene: NLRP3 (NLR family pyrin domain containing 3; plus strand). Cytogenetic location: 1q44.
Variant type: single nucleotide variant.
Coding change: c.1711T>G on transcript NM_001243133.2 (MANE Select); coding-DNA position 1711, T replaced by G.
Protein change: p.Leu571Val; replaces leucine 571 with valine.
Molecular consequence: missense variant.
Genome position (GRCh38, 1-based): chr1:247,425,160, T>G. VCF-style: chr1-247425160-T-G. GRCh37 (hg19) VCF-style: chr1-247588462-T-G.
Other names: c.1711T>G, p.Leu571Val (NM_001079821.3, NM_001127461.3, NM_001127462.3 and 1 more transcripts); c.1717T>G, p.Leu573Val (NM_004895.5); short protein forms L571V, L573V.
Identifiers: ClinVar variation 642979 (VCV000642979.8), dbSNP rs1572172911, ClinGen allele CA345557644.
Genomic context (GRCh38, chr1:247,425,160, plus strand): 5'-CTTCCCAGCCGAGACGTGACAGTCCTTCTGGAAAACTATGGCAAATTCGAAAAGGGGTAT[T>G]TGATTTTTGTTGTACGTTTCCTCTTTGGCCTGGTAAACCAGGAGAGGACCTCCTACTTGG-3'
Protein context (NP_001230062.1, residues 561-581): ENYGKFEKGY[Leu571Val]IFVVRFLFGL

ClinVar aggregate classification (germline): Uncertain significance (1 of 4 stars; one submission).

Conditions:
Cryopyrin associated periodic syndrome (CAPS). Identifiers: Orphanet 208650, MedGen C2316212, MONDO:0016168.

Submission:

Labcorp Genetics (formerly Invitae), Labcorp
Classification: Uncertain significance for Cryopyrin associated periodic syndrome. Last evaluated: 2018-11-07. Review status: criteria provided, single submitter. Criteria: Invitae Variant Classification Sherloc (09022015). Collection method: clinical testing. Allele origin: germline.
Comment: In summary, the available evidence is currently insufficient to determine the role of this variant in disease. Therefore, it has been classified as a Variant of Uncertain Significance. Algorithms developed to predict the effect of sequence changes on RNA splicing suggest that this variant may create or strengthen a splice site, but this prediction has not been confirmed by published transcriptional studies. Algorithms developed to predict the effect of missense changes on protein structure and function (SIFT, PolyPhen-2, Align-GVGD) all suggest that this variant is likely to be disruptive, but these predictions have not been confirmed by published functional studies and their clinical significance is uncertain. This variant has not been reported in the literature in individuals with NLRP3-related disease. This variant is not present in population databases (ExAC no frequency). This sequence change replaces leucine with valine at codon 573 of the NLRP3 protein (p.Leu573Val). The leucine residue is highly conserved and there is a small physicochemical difference between leucine and valine.